The following is an entry in ClinVar:

ClinVar aggregate classification (germline): Uncertain significance (1 of 4 stars; one submission).

Conditions:
GNAS-related disorder. Identifiers: MedGen CN380105.

Submission:

PreventionGenetics, part of Exact Sciences
Classification: Uncertain significance for GNAS-related condition. Last evaluated: 2026-03-03. Review status: criteria provided, single submitter. Criteria: ACMG Guidelines, 2015. Collection method: clinical testing. Allele origin: germline.
Comment: The GNAS c.68A>G variant is predicted to result in the amino acid substitution p.Asn23Ser. To our knowledge, this variant has not been reported in the literature or in a large population database (gnomAD), indicating this variant is rare. At this time, the clinical significance of this variant is uncertain due to the absence of conclusive functional and genetic evidence.

NM_000516.7(GNAS):c.68A>G (p.Asn23Ser)

Gene: GNAS (GNAS complex locus; plus strand). Cytogenetic location: 20q13.32.
Variant type: single nucleotide variant.
Coding change: c.68A>G on transcript NM_000516.7 (MANE Select); coding-DNA position 68, A replaced by G.
Protein change: p.Asn23Ser; replaces asparagine 23 with serine.
Molecular consequence: missense variant. On other transcripts: intron variant (11).
Genome position (GRCh38, 1-based): chr20:58,891,794, A>G. VCF-style: chr20-58891794-A-G. GRCh37 (hg19) VCF-style: chr20-57466849-A-G.
Other names: c.68A>G, p.Asn23Ser (NM_001077488.5, NM_001077489.4, NM_001309842.2 and 1 more transcripts); c.*43-3818A>G (NM_016592.5); c.44-3818A>G (NM_001410912.1); c.-38-3818A>G (NM_001309861.2); c.*1-3818A>G (NM_001077490.3); c.2069-3818A>G (NM_080425.4, NM_001410913.1); c.*159-3818A>G (NM_001309883.1); c.-39+2441A>G (NM_001438273.1, NM_001309840.2); and 1 more; short protein forms N23S.
Identifiers: ClinVar variation 4994164 (VCV004994164.1).
Genomic context (GRCh38, chr20:58,891,794, plus strand): 5'-GCCTCGGGAACAGTAAGACCGAGGACCAGCGCAACGAGGAGAAGGCGCAGCGTGAGGCCA[A>G]CAAAAAGATCGAGAAGCAGCTGCAGAAGGACAAGCAGGTCTACCGGGCCACGCACCGCCT-3'
Protein context (NP_000507.1, residues 13-33): RNEEKAQREA[Asn23Ser]KKIEKQLQKD